The following is an entry in ClinVar:

NM_001903.5(CTNNA1):c.1376C>T (p.Ala459Val)

Gene: CTNNA1 (catenin alpha 1; plus strand). Cytogenetic location: 5q31.2.
Variant type: single nucleotide variant.
Coding change: c.1376C>T on transcript NM_001903.5 (MANE Select); coding-DNA position 1376, C replaced by T.
Protein change: p.Ala459Val; replaces alanine 459 with valine.
Molecular consequence: missense variant. On other transcripts: 5 prime UTR variant (4), intron variant (3).
Genome position (GRCh38, 1-based): chr5:138,904,428, C>T. VCF-style: chr5-138904428-C-T. GRCh37 (hg19) VCF-style: chr5-138240117-C-T.
Other names: c.1376C>T, p.Ala459Val (NM_001290307.3, NM_001323982.2, NM_001323983.1 and 2 more transcripts); c.1067C>T, p.Ala356Val (NM_001290309.3); c.1007C>T, p.Ala336Val (NM_001290310.3); c.266C>T, p.Ala89Val (NM_001290312.1, NM_001323987.1, NM_001323988.1 and 17 more transcripts); c.-132C>T (NM_001324006.1, NM_001324007.1, NM_001324008.1 and 1 more transcripts); c.23C>T, p.Ala8Val (NM_001324012.1, NM_001324013.1); c.1297-13314C>T (NM_001323986.2); c.187-13314C>T (NM_001324011.1); and 1 more; short protein forms A336V, A356V, A459V, A8V, A89V.
Identifiers: ClinVar variation 1771168 (VCV001771168.6), dbSNP rs1758724020, ClinGen allele CA361136032.
Genomic context (GRCh38, chr5:138,904,428, plus strand): 5'-CCATCTCAAATAATGAAGAAGGTGTAAAGCTTGTTCGAATGTCTGCAAGCCAGTTAGAAG[C>T]CCTCTGTCCTCAGGTAAAGTACAACTGACACTGGTGACAGCATAACCAAATTAAATTTTG-3'
Protein context (NP_001894.2, residues 449-469): LVRMSASQLE[Ala459Val]LCPQVINAAL

ClinVar aggregate classification (germline): Uncertain significance. Review status: criteria provided, multiple submitters, no conflicts (2 of 4 stars). 2 submissions from 2 submitters: Uncertain significance (2). Last evaluated 2025-05-07.

Conditions:
Hereditary cancer-predisposing syndrome. Also called: Hereditary Cancer Syndrome; Hereditary neoplastic syndrome; Neoplastic Syndromes, Hereditary; Tumor predisposition. Identifiers: Orphanet 140162, MedGen C0027672, MeSH D009386, MONDO:0015356.

Allele frequency attached by ClinVar (database versions not stated): gnomAD 0.00001.
gnomAD v4.1: 2 of 1,613,736 alleles (0.00012%); highest among the groups gnomAD compares: Non-Finnish European, 0.000085%; no homozygotes.

Submissions (2):

Ambry Genetics
Classification: Uncertain significance for Hereditary cancer-predisposing syndrome. Last evaluated: 2025-05-07. Review status: criteria provided, single submitter. Criteria: Ambry Variant Classification Scheme 2023. Collection method: clinical testing. Allele origin: germline.
Comment: The p.A459V variant (also known as c.1376C>T), located in coding exon 9 of the CTNNA1 gene, results from a C to T substitution at nucleotide position 1376. The alanine at codon 459 is replaced by valine, an amino acid with similar properties. This amino acid position is conserved. In addition, this alteration is predicted to be tolerated by in silico analysis. Since supporting evidence is limited at this time, the clinical significance of this alteration remains unclear.

Labcorp Genetics (formerly Invitae), Labcorp
Classification: Uncertain significance. Last evaluated: 2024-07-11. Review status: criteria provided, single submitter. Criteria: Invitae Variant Classification Sherloc (09022015). Collection method: clinical testing. Allele origin: germline.
Comment: This sequence change replaces alanine, which is neutral and non-polar, with valine, which is neutral and non-polar, at codon 459 of the CTNNA1 protein (p.Ala459Val). This variant is not present in population databases (gnomAD no frequency). This variant has not been reported in the literature in individuals affected with CTNNA1-related conditions. ClinVar contains an entry for this variant (Variation ID: 1771168). Advanced modeling of protein sequence and biophysical properties (such as structural, functional, and spatial information, amino acid conservation, physicochemical variation, residue mobility, and thermodynamic stability) performed at Invitae indicates that this missense variant is not expected to disrupt CTNNA1 protein function with a negative predictive value of 80%. In summary, the available evidence is currently insufficient to determine the role of this variant in disease. Therefore, it has been classified as a Variant of Uncertain Significance.